The following is an entry in ClinVar:

ClinVar aggregate classification (germline): Uncertain significance (1 of 4 stars; one submission).

gnomAD v4.1: 3 of 1,551,112 alleles (0.00019%); highest among the groups gnomAD compares: Non-Finnish European, 0.00017%; 1 homozygote.

Submission:

GeneDx
Classification: Uncertain significance. Last evaluated: 2026-03-21. Review status: criteria provided, single submitter. Criteria: GeneDx Variant Classification Process June 2021. Collection method: clinical testing. Allele origin: germline.
Comment: Not observed at significant frequency in large population cohorts (gnomAD); In silico analysis suggests that this missense variant does not alter protein structure/function; Has not been previously published as pathogenic or benign to our knowledge

NM_153717.3(EVC):c.1785G>A (p.Met595Ile)

Gene: EVC (EvC ciliary complex subunit 1; plus strand). Cytogenetic location: 4p16.2.
Variant type: single nucleotide variant.
Coding change: c.1785G>A on transcript NM_153717.3 (MANE Select); coding-DNA position 1785, G replaced by A.
Protein change: p.Met595Ile; replaces methionine 595 with isoleucine.
Molecular consequence: missense variant.
Genome position (GRCh38, 1-based): chr4:5,793,616, G>A. VCF-style: chr4-5793616-G-A. GRCh37 (hg19) VCF-style: chr4-5795343-G-A.
Other names: c.1785G>A, p.Met595Ile (NM_001306090.2); short protein forms M595I.
Identifiers: ClinVar variation 4976254 (VCV004976254.1).
Genomic context (GRCh38, chr4:5,793,616, plus strand): 5'-TTGTTGAAGTGAGTAACCACATGCCTGCTCTGTCCCTCTGTCCCGAGTTCAGGTGTGGAT[G>A]GAGGAGTGTGCGCTGTCCAGCGTGCTGCAGACACACCTGCGGGAGGACCACGAGGGCACC-3'
Protein context (NP_714928.1, residues 585-605): ELLEQDQQVW[Met595Ile]EECALSSVLQ